The following is an entry in ClinVar:

ClinVar aggregate classification (germline): Pathogenic (1 of 4 stars; one submission).

Conditions:
Neurofibromatosis, type 1 (NF1). Also called: NEUROFIBROMATOSIS, TYPE I, SOMATIC; VON RECKLINGHAUSEN DISEASE; Peripheral type neurofibromatosis; Neurofibromatosis, type I. Identifiers: Orphanet 636, MedGen C0027831, MONDO:0018975, OMIM 162200. Disease mechanism: loss of function.

Submission:

Labcorp Genetics (formerly Invitae), Labcorp
Classification: Pathogenic for Neurofibromatosis, type 1. Last evaluated: 2025-01-15. Review status: criteria provided, single submitter. Criteria: Invitae Variant Classification Sherloc (09022015). Collection method: clinical testing. Allele origin: germline.
Comment: This variant, c.6817_6843del, results in the deletion of 9 amino acid(s) of the NF1 protein (p.Thr2273_Gln2281del), but otherwise preserves the integrity of the reading frame. This variant is not present in population databases (gnomAD no frequency). This variant has been observed in individual(s) with clinical features of neurofibromatosis type 1 (internal data). In at least one individual the variant was observed to be de novo. ClinVar contains an entry for this variant (Variation ID: 1467293). This variant disrupts a region of the NF1 protein in which other variant(s) (p.Leu2277Arg) have been determined to be pathogenic (internal data). This suggests that this is a clinically significant region of the protein, and that variants that disrupt it are likely to be disease-causing. For these reasons, this variant has been classified as Pathogenic.

NM_001042492.3(NF1):c.6880_6906del (p.Thr2294_Gln2302del)

Gene: NF1 (neurofibromin 1; plus strand). Cytogenetic location: 17q11.2.
Variant type: Deletion.
Coding change: c.6880_6906del on transcript NM_001042492.3 (MANE Select); coding-DNA positions 6880 to 6906, 27 bases deleted (ACAGTAATAGCACTAACCAAATTACAG).
Protein change: p.Thr2294_Gln2302del.
Molecular consequence: inframe deletion. On other transcripts: inframe indel (1).
Genome position (GRCh38, 1-based): chr17:31,338,764-31,338,790, ACAGTAATAGCACTAACCAAATTACAG deleted. VCF-style (leftmost placement, unchanged base first): chr17-31338763-TACAGTAATAGCACTAACCAAATTACAG-T. GRCh37 (hg19) VCF-style: chr17-29665781-TACAGTAATAGCACTAACCAAATTACAG-T.
Other names: c.6817_6843del27, p.Thr2273_Gln2281del (NM_000267.4).
Identifiers: ClinVar variation 1467293 (VCV001467293.8), dbSNP rs2151559288, ClinGen allele CA2573153878.
Genomic context (GRCh38, chr17:31,338,763, plus strand): 5'-GGCACTTGAGAGTTGCTTAAAAGGACCTGACACTTACAACAGTCAAGTTCTGATAGAAGC[TACAGTAATAGCACTAACCAAATTACAG>T]CCACTTCTTAATAAGGTAATTACTGTATAGAAAATGAGTGCATTCATTTTGGGTATCAGT-3'